The following is an entry in ClinVar:

NM_198334.3(GANAB):c.1114A>G (p.Ile372Val)

Gene: GANAB (glucosidase II alpha subunit; minus strand). Cytogenetic location: 11q12.3.
Variant type: single nucleotide variant.
Coding change: c.1114A>G on transcript NM_198334.3 (MANE Select); coding-DNA position 1114, A replaced by G.
Protein change: p.Ile372Val; replaces isoleucine 372 with valine.
Molecular consequence: missense variant.
Genome position (GRCh38, 1-based): chr11:62,631,066, T>C on the plus strand (A>G on the coding strand, the complement: GANAB is on the minus strand). VCF-style: chr11-62631066-T-C. GRCh37 (hg19) VCF-style: chr11-62398538-T-C.
Other names: c.838A>G, p.Ile280Val (NM_001278192.2); c.772A>G, p.Ile258Val (NM_001278193.2); c.823A>G, p.Ile275Val (NM_001278194.2, NM_001329222.2, NM_001329223.2); c.391A>G, p.Ile131Val (NM_001329224.2, NM_001329225.2); c.1180A>G, p.Ile394Val (NM_198335.4); short protein forms I258V, I372V, I394V, I131V, I280V, I275V.
Identifiers: ClinVar variation 4991819 (VCV004991819.1).
Genomic context (GRCh38, chr11:62,631,066, plus strand): 5'-AATGAGGCAGGGAAAACCATGTACCTGTGAGACTAGCATATTGCCGGAAAACATCAGAGA[T>C]GGAGGGCCCCAGCAGCAGGAAGACGTCAATGATGCCAGTCTCTGACATCCAGCGAACATC-3'
Protein context (NP_938148.1, residues 362-382): IDVFLLLGPS[Ile372Val]SDVFRQYASL

ClinVar aggregate classification (germline): Uncertain significance (1 of 4 stars; one submission).

Conditions:
GANAB-related disorder. Also called: GANAB-related condition.

Submission:

PreventionGenetics, part of Exact Sciences
Classification: Uncertain significance for GANAB-related condition. Last evaluated: 2026-07-23. Review status: criteria provided, single submitter. Criteria: ACMG Guidelines, 2015. Collection method: clinical testing. Allele origin: germline.
Comment: The GANAB c.1180A>G variant is predicted to result in the amino acid substitution p.Ile394Val. To our knowledge, this variant has not been reported in the literature or in a large population database (gnomAD), indicating this variant is rare. At this time, the clinical significance of this variant is uncertain due to the absence of conclusive functional and genetic evidence.